The following is an entry in ClinVar:

ClinVar aggregate classification (germline): Uncertain significance. Review status: criteria provided, multiple submitters, no conflicts (2 of 4 stars). 2 submissions from 2 submitters: Uncertain significance (2). Last evaluated 2025-05-05.

Conditions:
Hereditary cancer-predisposing syndrome. Also called: Neoplastic Syndromes, Hereditary; Tumor predisposition; Hereditary neoplastic syndrome; Hereditary Cancer Syndrome. Identifiers: Orphanet 140162, MedGen C0027672, MeSH D009386, MONDO:0015356.

Allele frequency attached by ClinVar (database versions not stated): gnomAD exomes below 0.00001; TOPMed below 0.00001; gnomAD 0.00001.
gnomAD v4.1: 5 of 1,614,068 alleles (0.00031%); highest among the groups gnomAD compares: Admixed American, 0.005%; no homozygotes.

Submissions (2):

Labcorp Genetics (formerly Invitae), Labcorp
Classification: Uncertain significance for Hereditary cancer-predisposing syndrome. Last evaluated: 2025-05-05. Review status: criteria provided, single submitter. Criteria: Invitae Variant Classification Sherloc (09022015). Collection method: clinical testing. Allele origin: germline.
Comment: This sequence change replaces asparagine, which is neutral and polar, with serine, which is neutral and polar, at codon 1236 of the RAD50 protein (p.Asn1236Ser). This variant is present in population databases (no rsID available, gnomAD 0.003%). This variant has not been reported in the literature in individuals affected with RAD50-related conditions. ClinVar contains an entry for this variant (Variation ID: 824102). Invitae Evidence Modeling of protein sequence and biophysical properties (such as structural, functional, and spatial information, amino acid conservation, physicochemical variation, residue mobility, and thermodynamic stability) indicates that this missense variant is expected to disrupt RAD50 protein function with a positive predictive value of 80%. In summary, the available evidence is currently insufficient to determine the role of this variant in disease. Therefore, it has been classified as a Variant of Uncertain Significance.

Ambry Genetics
Classification: Uncertain significance for Hereditary cancer-predisposing syndrome. Last evaluated: 2024-01-16. Review status: criteria provided, single submitter. Criteria: Ambry Variant Classification Scheme 2023. Collection method: clinical testing. Allele origin: germline.

NM_005732.4(RAD50):c.3707A>G (p.Asn1236Ser)

Genes: RAD50 (RAD50 double strand break repair protein; plus strand), TH2-LCR (Th2 cytokine locus control region; plus strand), TH2LCRR (T helper type 2 locus control region associated RNA; minus strand). Cytogenetic location: 5q31.1.
Variant type: single nucleotide variant.
Coding change: c.3707A>G on transcript NM_005732.4 (MANE Select); coding-DNA position 3707, A replaced by G.
Protein change: p.Asn1236Ser; replaces asparagine 1236 with serine.
Molecular consequence: missense variant.
Genome position (GRCh38, 1-based): chr5:132,640,760, A>G. VCF-style: chr5-132640760-A-G. GRCh37 (hg19) VCF-style: chr5-131976452-A-G.
Other names: short protein forms N1236S.
Identifiers: ClinVar variation 824102 (VCV000824102.12), dbSNP rs1417493313, ClinGen allele CA360934593.